The following is an entry in ClinVar:

ClinVar aggregate classification (germline): Uncertain significance (1 of 4 stars; one submission).

Allele frequency attached by ClinVar (database versions not stated): gnomAD exomes 0.00001; ExAC 0.00002; TOPMed 0.00002.
gnomAD v4.1: 3 of 1,614,062 alleles (0.00019%); highest among the groups gnomAD compares: Admixed American, 0.005%; no homozygotes.

Submission:

Labcorp Genetics (formerly Invitae), Labcorp
Classification: Uncertain significance. Last evaluated: 2023-10-13. Review status: criteria provided, single submitter. Criteria: Invitae Variant Classification Sherloc (09022015). Collection method: clinical testing. Allele origin: germline.
Comment: This sequence change replaces lysine, which is basic and polar, with asparagine, which is neutral and polar, at codon 469 of the SCARB1 protein (p.Lys469Asn). This variant is present in population databases (rs772988886, gnomAD 0.009%). This variant has not been reported in the literature in individuals affected with SCARB1-related conditions. An algorithm developed to predict the effect of missense changes on protein structure and function (PolyPhen-2) suggests that this variant is likely to be tolerated. In summary, the available evidence is currently insufficient to determine the role of this variant in disease. Therefore, it has been classified as a Variant of Uncertain Significance.

NM_005505.5(SCARB1):c.1407A>C (p.Lys469Asn)

Gene: SCARB1 (scavenger receptor class B member 1; minus strand). Cytogenetic location: 12q24.31.
Variant type: single nucleotide variant.
Coding change: c.1407A>C on transcript NM_005505.5 (MANE Select); coding-DNA position 1407, A replaced by C.
Protein change: p.Lys469Asn; replaces lysine 469 with asparagine.
Molecular consequence: missense variant. On other transcripts: non-coding transcript variant (5), intron variant (3).
Genome position (GRCh38, 1-based): chr12:124,782,806, T>G on the plus strand (A>C on the coding strand, the complement: SCARB1 is on the minus strand). VCF-style: chr12-124782806-T-G. GRCh37 (hg19) VCF-style: chr12-125267352-T-G.
Other names: c.1413A>C, p.Lys471Asn (NM_001367983.1); c.1404A>C, p.Lys468Asn (NM_001367984.1); c.1383A>C, p.Lys461Asn (NM_001367985.1); c.1323A>C, p.Lys441Asn (NM_001367986.1); c.1005A>C, p.Lys335Asn (NM_001367988.1); c.1407A>C, p.Lys469Asn (NM_001367989.1); c.1203+3551A>C (NM_001367987.1); c.1401+3551A>C (NM_001082959.2); and 1 more; short protein forms K335N, K441N, K468N, K461N, K469N, K471N.
Identifiers: ClinVar variation 2990795 (VCV002990795.3), dbSNP rs772988886, ClinGen allele CA6870162.